The following is an entry in ClinVar:

NM_000083.3(CLCN1):c.911G>A (p.Arg304Lys)

Gene: CLCN1 (chloride voltage-gated channel 1; plus strand). Cytogenetic location: 7q34.
Variant type: single nucleotide variant.
Coding change: c.911G>A on transcript NM_000083.3 (MANE Select); coding-DNA position 911, G replaced by A.
Protein change: p.Arg304Lys; replaces arginine 304 with lysine.
Molecular consequence: missense variant. On other transcripts: non-coding transcript variant (1).
Genome position (GRCh38, 1-based): chr7:143,330,829, G>A. VCF-style: chr7-143330829-G-A. GRCh37 (hg19) VCF-style: chr7-143027922-G-A.
Other names: short protein forms R304K.
Identifiers: ClinVar variation 2939182 (VCV002939182.3), dbSNP rs2487057476, ClinGen allele CA369641606.

ClinVar aggregate classification (germline): Uncertain significance (1 of 4 stars; one submission).

Conditions:
Congenital myotonia, autosomal dominant form (THD). Also called: THOMSEN DISEASE; Myotonia congenita autosomal dominant. Identifiers: Orphanet 614, MedGen C2936781, MONDO:0008055, OMIM 160800.
Congenital myotonia, autosomal recessive form. Also called: BECKER DISEASE; Becker Generalized Myotonia; myotonia congenita, autosomal recessive. Identifiers: Orphanet 614, MedGen C0751360, MONDO:0009715, OMIM 255700.

Submission:

Labcorp Genetics (formerly Invitae), Labcorp
Classification: Uncertain significance for Congenital myotonia, autosomal recessive form; Congenital myotonia, autosomal dominant form. Last evaluated: 2025-02-28. Review status: criteria provided, single submitter. Criteria: Invitae Variant Classification Sherloc (09022015). Collection method: clinical testing. Allele origin: germline.
Comment: This sequence change replaces arginine, which is basic and polar, with lysine, which is basic and polar, at codon 304 of the CLCN1 protein (p.Arg304Lys). This variant is not present in population databases (gnomAD no frequency). This variant has not been reported in the literature in individuals affected with CLCN1-related conditions. ClinVar contains an entry for this variant (Variation ID: 2939182). Invitae Evidence Modeling of protein sequence and biophysical properties (such as structural, functional, and spatial information, amino acid conservation, physicochemical variation, residue mobility, and thermodynamic stability) indicates that this missense variant is expected to disrupt CLCN1 protein function with a positive predictive value of 95%. In summary, the available evidence is currently insufficient to determine the role of this variant in disease. Therefore, it has been classified as a Variant of Uncertain Significance.